The following is an entry in ClinVar:

ClinVar aggregate classification (germline): Benign/Likely benign. Review status: criteria provided, multiple submitters, no conflicts (2 of 4 stars). 6 submissions from 6 submitters: Benign (3); Likely benign (3). Last evaluated 2026-09-01.

Conditions:
Inborn genetic diseases. Identifiers: MedGen C0950123, MeSH D030342.
Hereditary sensory and autonomic neuropathy type 6. Also called: HSAN VI; Neuropathy, hereditary sensory and autonomic, type VI. Identifiers: Orphanet 314381, MedGen C3539003, MONDO:0013839, OMIM 614653.
Epidermolysis bullosa simplex 3, localized or generalized intermediate, with BP230 deficiency (EBS3). Also called: Epidermolysis bullosa simplex, autosomal recessive 2; Epidermolysis bullosa simplex due to BP230 deficiency. Identifiers: Orphanet 412181, MedGen C3809470, MONDO:0014180, OMIM 615425.

Allele frequency attached by ClinVar (database versions not stated): gnomAD 0.00743 and 0.00744; ESP Exome Variant Server 0.00986; TOPMed 0.00714; gnomAD exomes 0.00695 and 0.01130; 1000 Genomes Project 30x 0.00234; 1000 Genomes Project 0.00260; ExAC 0.00723.
gnomAD v4.1: 17,549 of 1,611,722 alleles (1.1%); highest among the groups gnomAD compares: Non-Finnish European, 1.3%; 122 homozygotes.

Submissions (6):

CeGaT Center for Human Genetics Tuebingen
Classification: Benign. Last evaluated: 2026-09-01. Review status: criteria provided, single submitter. Criteria: CeGaT Center For Human Genetics Tuebingen Variant Classification Criteria Version 2. Collection method: clinical testing. Allele origin: germline. Affected: yes. Observed: 28 variant alleles.
Comment: DST: BP4, BS1, BS2

Labcorp Genetics (formerly Invitae), Labcorp
Classification: Benign for Epidermolysis bullosa simplex 3, localized or generalized intermediate, with BP230 deficiency; Hereditary sensory and autonomic neuropathy type 6. Last evaluated: 2026-01-28. Review status: criteria provided, single submitter. Criteria: Invitae Variant Classification Sherloc (09022015). Collection method: clinical testing. Allele origin: germline.

Ambry Genetics
Classification: Likely benign for Inborn genetic diseases. Last evaluated: 2023-07-31. Review status: criteria provided, single submitter. Criteria: Ambry Variant Classification Scheme 2023. Collection method: clinical testing. Allele origin: germline.

GeneDx
Classification: Likely benign. Last evaluated: 2021-04-02. Review status: criteria provided, single submitter. Criteria: GeneDx Variant Classification Process June 2021. Collection method: clinical testing. Allele origin: germline. Affected: yes.

Mayo Clinic Laboratories, Mayo Clinic
Classification: Benign. Last evaluated: 2016-06-09. Review status: criteria provided, single submitter. Criteria: ACMG Guidelines, 2015. Collection method: clinical testing. Allele origin: germline. Observed: 47 variant alleles.

Breakthrough Genomics
Classification: Likely benign. Review status: criteria provided, single submitter. Criteria: ACMG Guidelines, 2015. Collection method: not provided. Allele origin: germline. Inheritance: Autosomal recessive inheritance. Affected: yes.

NM_001374736.1(DST):c.13820C>A (p.Pro4607His)

Gene: DST (dystonin; minus strand). Cytogenetic location: 6p12.1.
Variant type: single nucleotide variant.
Coding change: c.13820C>A on transcript NM_001374736.1 (MANE Select); coding-DNA position 13820, C replaced by A.
Protein change: p.Pro4607His; replaces proline 4607 with histidine.
Molecular consequence: missense variant.
Genome position (GRCh38, 1-based): chr6:56,569,914, G>T on the plus strand (C>A on the coding strand, the complement: DST is on the minus strand). VCF-style: chr6-56569914-G-T. GRCh37 (hg19) VCF-style: chr6-56434712-G-T.
Other names: p.Pro1984His; c.13820C>A, p.Pro4607His (NM_001374722.1); c.13187C>A, p.Pro4396His (NM_001374729.1); c.6929C>A, p.Pro2310His (NM_001374730.1, NM_001386100.1, NM_183380.4); c.13847C>A, p.Pro4616His (NM_001374734.1); c.5951C>A, p.Pro1984His (NM_015548.5); c.7463C>A, p.Pro2488His (NM_001144769.5); c.7049C>A, p.Pro2350His (NM_001144770.2); short protein forms P1984H, P2310H, P2350H, P2488H, P4607H, P4616H, P4396H.
Identifiers: ClinVar variation 795661 (VCV000795661.39), dbSNP rs138967674, ClinGen allele CA3868154.
Genomic context (GRCh38, chr6:56,569,914, plus strand): 5'-ACCTTAGTGTCTTCCAAAGATTTTCCTAAATCCTCTGCACCAAAAGAAGGCTGTACAATG[G>T]GAACTTTTTTTGTTGTTTCTTTTATCCATGACTTCAATGATTTAACAAGAACTTGGAAAG-3'
Protein context (NP_001361665.1, residues 4597-4617): SWIKETTKKV[Pro4607His]IVQPSFGAED